The following is an entry in ClinVar:

ClinVar aggregate classification (germline): Pathogenic/Likely pathogenic. Review status: criteria provided, multiple submitters, no conflicts (2 of 4 stars). 2 submissions from 2 submitters: Pathogenic (1); Likely pathogenic (1). Last evaluated 2025-05-08.

Conditions:
Cataract 18 (CATC2). Also called: CATARACT 18, AUTOSOMAL RECESSIVE. Identifiers: Orphanet 91492, Orphanet 98991, Orphanet 98992, Orphanet 98995, MedGen C1864908, MONDO:0012395, OMIM 610019.

Allele frequency attached by ClinVar (database versions not stated): gnomAD exomes below 0.00001.
gnomAD v4.1: 1 of 1,613,988 alleles (0.000062%); highest among the groups gnomAD compares: Non-Finnish European, 0.000085%; no homozygotes.

Submissions (2):

Dasa
Classification: Likely pathogenic. Last evaluated: 2025-05-08. Review status: criteria provided, single submitter. Criteria: DASA Assertion Criteria. Collection method: clinical testing. Allele origin: germline.
Comment: NM_024513.4(FYCO1):c.575G>A (p.Trp192*) is a nonsense variant in FYCO1 predicted to introduce a premature termination codon and is predicted to result in an absent or altered protein product. Loss of function is an established disease mechanism for FYCO1-associated disorders. Also, this variant is rare in population databases. Based on the currently available evidence, this variant is classified as likely pathogenic.

Labcorp Genetics (formerly Invitae), Labcorp
Classification: Pathogenic for Cataract 18. Last evaluated: 2022-01-16. Review status: criteria provided, single submitter. Criteria: Invitae Variant Classification Sherloc (09022015). Collection method: clinical testing. Allele origin: germline.
Comment: This sequence change creates a premature translational stop signal (p.Trp192*) in the FYCO1 gene. It is expected to result in an absent or disrupted protein product. Loss-of-function variants in FYCO1 are known to be pathogenic (PMID: 21636066). This variant is not present in population databases (gnomAD no frequency). This variant has not been reported in the literature in individuals affected with FYCO1-related conditions. Algorithms developed to predict the effect of sequence changes on RNA splicing suggest that this variant may create or strengthen a splice site. For these reasons, this variant has been classified as Pathogenic.

Literature cited by the submitters: PubMed 21636066 (cited by Labcorp Genetics (formerly Invitae), Labcorp).

NM_024513.4(FYCO1):c.575G>A (p.Trp192Ter)

Gene: FYCO1 (FYVE and coiled-coil domain autophagy adaptor 1; minus strand). Cytogenetic location: 3p21.31.
Variant type: single nucleotide variant.
Coding change: c.575G>A on transcript NM_024513.4 (MANE Select); coding-DNA position 575, G replaced by A.
Protein change: p.Trp192Ter; replaces tryptophan 192 with a stop codon.
Molecular consequence: nonsense. On other transcripts: 5 prime UTR variant (1), non-coding transcript variant (1).
Genome position (GRCh38, 1-based): chr3:45,969,730, C>T on the plus strand (G>A on the coding strand, the complement: FYCO1 is on the minus strand). VCF-style: chr3-45969730-C-T. GRCh37 (hg19) VCF-style: chr3-46011222-C-T.
Other names: c.575G>A, p.Trp192Ter (NM_001386421.1, NM_001386422.1, NM_001386423.1 and 4 more transcripts); c.455G>A, p.Trp152Ter (NM_001386426.1); c.431G>A, p.Trp144Ter (NM_001386427.1); c.-26G>A (NM_001386430.1); short protein forms W152*, W144*, W192*.
Identifiers: ClinVar variation 1443310 (VCV001443310.8), dbSNP rs200679450, ClinGen allele CA73686444.